The following is an entry in ClinVar:

NM_014855.3(AP5Z1):c.2354C>G (p.Thr785Arg)

Gene: AP5Z1 (adaptor related protein complex 5 subunit zeta 1; plus strand). Cytogenetic location: 7p22.1.
Variant type: single nucleotide variant.
Coding change: c.2354C>G on transcript NM_014855.3 (MANE Select); coding-DNA position 2354, C replaced by G.
Protein change: p.Thr785Arg; replaces threonine 785 with arginine.
Molecular consequence: missense variant. On other transcripts: non-coding transcript variant (1).
Genome position (GRCh38, 1-based): chr7:4,791,315, C>G. VCF-style: chr7-4791315-C-G. GRCh37 (hg19) VCF-style: chr7-4830946-C-G.
Other names: c.2354C>G, p.Thr785Arg (LRG_1247t1); c.1886C>G, p.Thr629Arg (NM_001364858.1); short protein forms T629R, T785R.
Identifiers: ClinVar variation 639065 (VCV000639065.7), dbSNP rs567731124, ClinGen allele CA4138447.

ClinVar aggregate classification (germline): Uncertain significance (1 of 4 stars; one submission).

Conditions:
Hereditary spastic paraplegia 48. Also called: SPASTIC PARAPLEGIA 48, AUTOSOMAL RECESSIVE; Spastic paraplegia 48. Identifiers: Orphanet 306511, MedGen C3150901, MONDO:0013342, OMIM 613647.

Allele frequency attached by ClinVar (database versions not stated): TOPMed 0.00006; gnomAD 0.00009 and 0.00010.
gnomAD v4.1: 150 of 1,611,750 alleles (0.0093%); highest among the groups gnomAD compares: Non-Finnish European, 0.012%; no homozygotes.

Submission:

Labcorp Genetics (formerly Invitae), Labcorp
Classification: Uncertain significance for Hereditary spastic paraplegia 48. Last evaluated: 2022-08-22. Review status: criteria provided, single submitter. Criteria: Invitae Variant Classification Sherloc (09022015). Collection method: clinical testing. Allele origin: germline.
Comment: In summary, the available evidence is currently insufficient to determine the role of this variant in disease. Therefore, it has been classified as a Variant of Uncertain Significance. Algorithms developed to predict the effect of sequence changes on RNA splicing suggest that this variant may create or strengthen a splice site. Algorithms developed to predict the effect of missense changes on protein structure and function are either unavailable or do not agree on the potential impact of this missense change (SIFT: "Tolerated"; PolyPhen-2: "Possibly Damaging"; Align-GVGD: "Class C0"). ClinVar contains an entry for this variant (Variation ID: 639065). This variant has not been reported in the literature in individuals affected with AP5Z1-related conditions. This variant is present in population databases (rs567731124, gnomAD 0.009%). This sequence change replaces threonine, which is neutral and polar, with arginine, which is basic and polar, at codon 785 of the AP5Z1 protein (p.Thr785Arg).